The following is an entry in ClinVar:

NM_001142864.4(PIEZO1):c.4852C>T (p.Arg1618Cys)

Gene: PIEZO1 (piezo type mechanosensitive ion channel component 1 (Er blood group); minus strand). Cytogenetic location: 16q24.3.
Variant type: single nucleotide variant.
Coding change: c.4852C>T on transcript NM_001142864.4 (MANE Select); coding-DNA position 4852, C replaced by T.
Protein change: p.Arg1618Cys; replaces arginine 1618 with cysteine.
Molecular consequence: missense variant.
Genome position (GRCh38, 1-based): chr16:88,722,321, G>A on the plus strand (C>T on the coding strand, the complement: PIEZO1 is on the minus strand). VCF-style: chr16-88722321-G-A. GRCh37 (hg19) VCF-style: chr16-88788729-G-A.
Other names: short protein forms R1618C.
Identifiers: ClinVar variation 3358129 (VCV003358129.1).
Genomic context (GRCh38, chr16:88,722,321, plus strand): 5'-ACAGAGAGGCACCAGCCTCACGCTCCCCGGGGTCGGTGACTGCCTCCTCACTGCCACTGC[G>A]CGTGTGGTAGCCGGTGCTCAGGGGGCTGCCCATGTCGTCTGTCATGCTGCTGAGTGGCTC-3'
Protein context (NP_001136336.2, residues 1608-1628): GSPLSTGYHT[Arg1618Cys]SGSEEAVTDP

ClinVar aggregate classification (germline): Uncertain significance (0 of 4 stars; one submission).

Conditions:
PIEZO1-related disorder. Also called: PIEZO1-related condition; PIEZO1-Related Disorders.

Submission:

PreventionGenetics, part of Exact Sciences
Classification: Uncertain significance for PIEZO1-related condition. Last evaluated: 2024-04-16. Review status: no assertion criteria provided. Collection method: clinical testing. Allele origin: germline.
Comment: The PIEZO1 c.4852C>T variant is predicted to result in the amino acid substitution p.Arg1618Cys. To our knowledge, this variant has not been reported in the literature. This variant is reported in 0.012% of alleles in individuals of African descent in gnomAD. At this time, the clinical significance of this variant is uncertain due to the absence of conclusive functional and genetic evidence.